The following is an entry in ClinVar:

ClinVar aggregate classification (germline): Uncertain significance. Review status: criteria provided, multiple submitters, no conflicts (2 of 4 stars). 2 submissions from 2 submitters: Uncertain significance (2). Last evaluated 2025-06-18.

Conditions:
Hypertrophic cardiomyopathy. Also called: HYPERTROPHIC MYOCARDIOPATHY. Identifiers: Orphanet 217569, MedGen C0007194, MeSH D002312, MONDO:0005045, HP:0001639.

Allele frequency attached by ClinVar (database versions not stated): ExAC 0.00002; gnomAD exomes 0.00002 and 0.00004; gnomAD 0.00003; TOPMed 0.00003.
gnomAD v4.1: 67 of 1,607,718 alleles (0.0042%); highest among the groups gnomAD compares: Non-Finnish European, 0.0054%; no homozygotes.

Submissions (2):

Labcorp Genetics (formerly Invitae), Labcorp
Classification: Uncertain significance for Hypertrophic cardiomyopathy. Last evaluated: 2025-06-18. Review status: criteria provided, single submitter. Criteria: Invitae Variant Classification Sherloc (09022015). Collection method: clinical testing. Allele origin: germline.
Comment: This sequence change replaces glutamine, which is neutral and polar, with arginine, which is basic and polar, at codon 457 of the MYOM1 protein (p.Gln457Arg). This variant is present in population databases (rs757169901, gnomAD 0.003%). This variant has not been reported in the literature in individuals affected with MYOM1-related conditions. ClinVar contains an entry for this variant (Variation ID: 524988). Invitae Evidence Modeling of protein sequence and biophysical properties (such as structural, functional, and spatial information, amino acid conservation, physicochemical variation, residue mobility, and thermodynamic stability) indicates that this missense variant is not expected to disrupt MYOM1 protein function with a negative predictive value of 80%. In summary, the available evidence is currently insufficient to determine the role of this variant in disease. Therefore, it has been classified as a Variant of Uncertain Significance.

Ambry Genetics
Classification: Uncertain significance. Last evaluated: 2025-01-15. Review status: criteria provided, single submitter. Criteria: Ambry Variant Classification Scheme 2023. Collection method: clinical testing. Allele origin: germline.

NM_003803.4(MYOM1):c.1370A>G (p.Gln457Arg)

Gene: MYOM1 (myomesin 1; minus strand). Cytogenetic location: 18p11.31.
Variant type: single nucleotide variant.
Coding change: c.1370A>G on transcript NM_003803.4 (MANE Select); coding-DNA position 1370, A replaced by G.
Protein change: p.Gln457Arg; replaces glutamine 457 with arginine.
Molecular consequence: missense variant.
Genome position (GRCh38, 1-based): chr18:3,164,409, T>C on the plus strand (A>G on the coding strand, the complement: MYOM1 is on the minus strand). VCF-style: chr18-3164409-T-C. GRCh37 (hg19) VCF-style: chr18-3164407-T-C.
Other names: c.1370A>G, p.Gln457Arg (NM_019856.2); short protein forms Q457R.
Identifiers: ClinVar variation 524988 (VCV000524988.10), dbSNP rs757169901, ClinGen allele CA8874967.